The following is an entry in ClinVar:

NM_004006.3(DMD):c.4467A>C (p.Glu1489Asp)

Gene: DMD (dystrophin; minus strand). Cytogenetic location: Xp21.1.
Variant type: single nucleotide variant.
Coding change: c.4467A>C on transcript NM_004006.3 (MANE Select); coding-DNA position 4467, A replaced by C.
Protein change: p.Glu1489Asp; replaces glutamic acid 1489 with aspartic acid.
Molecular consequence: missense variant.
Genome position (GRCh38, 1-based): chrX:32,389,552, T>G on the plus strand (A>C on the coding strand, the complement: DMD is on the minus strand). VCF-style: chrX-32389552-T-G. GRCh37 (hg19) VCF-style: chrX-32407669-T-G.
Other names: c.4443A>C, p.Glu1481Asp (NM_000109.4); c.4455A>C, p.Glu1485Asp (NM_004009.3); c.4098A>C, p.Glu1366Asp (NM_004010.3); c.444A>C, p.Glu148Asp (NM_004011.4); c.435A>C, p.Glu145Asp (NM_004012.4); short protein forms E1489D, E1366D, E145D, E148D, E1485D, E1481D.
Identifiers: ClinVar variation 455898 (VCV000455898.9), dbSNP rs373162382, ClinGen allele CA10378948.

ClinVar aggregate classification (germline): Conflicting classifications of pathogenicity. Review status: criteria provided, conflicting classifications (1 of 4 stars). 3 submissions from 3 submitters: Uncertain significance (1); Likely benign (1). 1 of the submissions does not count toward it. Last evaluated 2025-11-06.

Conditions:
Becker muscular dystrophy (BMD). Also called: MUSCULAR DYSTROPHY, PSEUDOHYPERTROPHIC PROGRESSIVE, BECKER TYPE; Becker Muscular Dystrophy (BMD). Identifiers: Orphanet 98895, MedGen C0917713, MONDO:0010311, OMIM 300376.
Cardiomyopathy (CMYO). Also called: Cardiomyopathies. Identifiers: Orphanet 167848, MedGen C0878544, MONDO:0004994, HP:0001638. Inheritance: Various modes of inheritance.
Duchenne muscular dystrophy (DMD). Also called: MUSCULAR DYSTROPHY, PSEUDOHYPERTROPHIC PROGRESSIVE, DUCHENNE TYPE; Duchenne Muscular Dystrophy (DMD). Identifiers: Orphanet 98896, MedGen C0013264, MONDO:0010679, OMIM 310200.
Dystrophin deficiency.
Cardiovascular phenotype. Identifiers: MedGen CN230736.

Allele frequency attached by ClinVar (database versions not stated): gnomAD exomes 0.00001; ExAC 0.00002; TOPMed 0.00002; gnomAD 0.00004; ESP Exome Variant Server 0.00009.
gnomAD v4.1: 8 of 1,209,565 alleles (0.00066%); highest among the groups gnomAD compares: African/African-American, 0.0052%; no homozygotes.

Submissions (3):

Ambry Genetics
Classification: Likely benign for Cardiovascular phenotype. Last evaluated: 2025-11-06. Review status: criteria provided, single submitter. Criteria: Ambry Variant Classification Scheme 2023. Collection method: clinical testing. Allele origin: germline.

Labcorp Genetics (formerly Invitae), Labcorp
Classification: Uncertain significance for Duchenne muscular dystrophy. Last evaluated: 2025-06-18. Review status: criteria provided, single submitter. Criteria: Invitae Variant Classification Sherloc (09022015). Collection method: clinical testing. Allele origin: germline.
Comment: This sequence change replaces glutamic acid, which is acidic and polar, with aspartic acid, which is acidic and polar, at codon 1489 of the DMD protein (p.Glu1489Asp). This variant is present in population databases (rs373162382, gnomAD 0.005%). This variant has not been reported in the literature in individuals affected with DMD-related conditions. ClinVar contains an entry for this variant (Variation ID: 455898). Invitae Evidence Modeling of protein sequence and biophysical properties (such as structural, functional, and spatial information, amino acid conservation, physicochemical variation, residue mobility, and thermodynamic stability) indicates that this missense variant is not expected to disrupt DMD protein function with a negative predictive value of 95%. In summary, the available evidence is currently insufficient to determine the role of this variant in disease. Therefore, it has been classified as a Variant of Uncertain Significance.

Natera, Inc.
Classification: Uncertain significance for Becker muscular dystrophy; Cardiomyopathy; Duchenne muscular dystrophy; Dystrophin deficiency. Last evaluated: 2018-06-22. Review status: no assertion criteria provided. Collection method: clinical testing. Allele origin: germline. Not counted in ClinVar's aggregate classification.